The following is an entry in ClinVar:

ClinVar aggregate classification (germline): Uncertain significance (1 of 4 stars; one submission).

gnomAD v4.1: 27 of 1,614,064 alleles (0.0017%); highest among the groups gnomAD compares: Non-Finnish European, 0.0022%; no homozygotes.

Submission:

GeneDx
Classification: Uncertain significance. Last evaluated: 2025-08-20. Review status: criteria provided, single submitter. Criteria: GeneDx Variant Classification Process June 2021. Collection method: clinical testing. Allele origin: germline. Affected: yes.
Comment: Not observed at significant frequency in large population cohorts (gnomAD); Canonical splice site variant in a gene or region of a gene for which loss of function is not a well-established mechanism of disease; Has not been previously published as pathogenic or benign to our knowledge

NM_001126121.2(SLC25A19):c.460-1G>A

Gene: SLC25A19 (solute carrier family 25 member 19; minus strand). Cytogenetic location: 17q25.1.
Variant type: single nucleotide variant.
Coding change: c.460-1G>A on transcript NM_001126121.2 (MANE Select); the canonical splice acceptor site of the intron before coding-DNA position 460, G replaced by A.
Molecular consequence: splice acceptor variant.
Genome position (GRCh38, 1-based): chr17:75,278,336, C>T on the plus strand (G>A on the coding strand, the complement: SLC25A19 is on the minus strand). VCF-style: chr17-75278336-C-T. GRCh37 (hg19) VCF-style: chr17-73274417-C-T.
Other names: c.460-1G>A (NM_001126122.2, NM_021734.5).
Identifiers: ClinVar variation 4796642 (VCV004796642.1).